The following is an entry in ClinVar:

ClinVar aggregate classification (germline): Conflicting classifications of pathogenicity. Review status: criteria provided, conflicting classifications (1 of 4 stars). 2 submissions from 2 submitters: Uncertain significance (1); Likely benign (1). Last evaluated 2026-01-25.

Conditions:
CPLANE1-related disorder. Also called: CPLANE1-related condition.

Allele frequency attached by ClinVar (database versions not stated): 1000 Genomes Project 30x 0.00047; TOPMed 0.00007; 1000 Genomes Project 0.00060.
gnomAD v4.1: 77 of 1,548,312 alleles (0.005%); highest among the groups gnomAD compares: East Asian, 0.056%; no homozygotes.

Submissions (2):

Labcorp Genetics (formerly Invitae), Labcorp
Classification: Likely benign. Last evaluated: 2026-01-25. Review status: criteria provided, single submitter. Criteria: Invitae Variant Classification Sherloc (09022015). Collection method: clinical testing. Allele origin: germline.

PreventionGenetics, part of Exact Sciences
Classification: Uncertain significance for CPLANE1-related condition. Last evaluated: 2023-03-16. Review status: criteria provided, single submitter. Criteria: ACMG Guidelines, 2015. Collection method: clinical testing. Allele origin: germline.
Comment: The CPLANE1 c.2078A>G variant is predicted to result in the amino acid substitution p.Lys693Arg. To our knowledge, this variant has not been reported in the literature. This variant is reported in 0.12% of alleles in individuals of East Asian descent in gnomAD. Although we suspect that this variant may be benign, at this time, the clinical significance of this variant is uncertain due to the absence of conclusive functional and genetic evidence.

NM_001384732.1(CPLANE1):c.2078A>G (p.Lys693Arg)

Gene: CPLANE1 (ciliogenesis and planar polarity effector complex subunit 1; minus strand). Cytogenetic location: 5p13.2.
Variant type: single nucleotide variant.
Coding change: c.2078A>G on transcript NM_001384732.1 (MANE Select); coding-DNA position 2078, A replaced by G.
Protein change: p.Lys693Arg; replaces lysine 693 with arginine.
Molecular consequence: missense variant.
Genome position (GRCh38, 1-based): chr5:37,226,517, T>C on the plus strand (A>G on the coding strand, the complement: CPLANE1 is on the minus strand). VCF-style: chr5-37226517-T-C. GRCh37 (hg19) VCF-style: chr5-37226619-T-C.
Other names: c.2078A>G (NM_023073.3); c.2078A>G, p.Lys693Arg (NM_023073.4); short protein forms K693R.
Identifiers: ClinVar variation 1961393 (VCV001961393.6), dbSNP rs181812684, ClinGen allele CA3239060.